The following is an entry in ClinVar:

ClinVar aggregate classification (germline): Uncertain significance. Review status: criteria provided, multiple submitters, no conflicts (2 of 4 stars). 3 submissions from 3 submitters: Uncertain significance (3). Last evaluated 2025-11-08.

Conditions:
Inborn genetic diseases. Identifiers: MedGen C0950123, MeSH D030342.

Allele frequency attached by ClinVar (database versions not stated): gnomAD exomes below 0.00001; TOPMed below 0.00001; gnomAD 0.00001.
gnomAD v4.1: 2 of 1,182,248 alleles (0.00017%); highest among the groups gnomAD compares: Admixed American, 0.0054%; no homozygotes.

Submissions (3):

Ambry Genetics
Classification: Uncertain significance for Inborn genetic diseases. Last evaluated: 2025-11-08. Review status: criteria provided, single submitter. Criteria: Ambry Variant Classification Scheme 2023. Collection method: clinical testing. Allele origin: germline.

Greenwood Genetic Center Diagnostic Laboratories, Greenwood Genetic Center
Classification: Uncertain significance. Last evaluated: 2023-05-17. Review status: criteria provided, single submitter. Criteria: ACMG Guidelines, 2015. Collection method: clinical testing. Allele origin: germline. Affected: yes.
Comment: PM2

Labcorp Genetics (formerly Invitae), Labcorp
Classification: Uncertain significance. Last evaluated: 2022-04-09. Review status: criteria provided, single submitter. Criteria: Invitae Variant Classification Sherloc (09022015). Collection method: clinical testing. Allele origin: germline.
Comment: In summary, the available evidence is currently insufficient to determine the role of this variant in disease. Therefore, it has been classified as a Variant of Uncertain Significance. Algorithms developed to predict the effect of missense changes on protein structure and function (SIFT, PolyPhen-2, Align-GVGD) all suggest that this variant is likely to be tolerated. This variant has not been reported in the literature in individuals affected with THOC2-related conditions. The frequency data for this variant in the population databases is considered unreliable, as metrics indicate poor data quality at this position in the gnomAD database. This sequence change replaces lysine, which is basic and polar, with arginine, which is basic and polar, at codon 957 of the THOC2 protein (p.Lys957Arg).

NM_001081550.2(THOC2):c.2870A>G (p.Lys957Arg)

Gene: THOC2 (THO complex subunit 2; minus strand). Cytogenetic location: Xq25.
Variant type: single nucleotide variant.
Coding change: c.2870A>G on transcript NM_001081550.2 (MANE Select); coding-DNA position 2870, A replaced by G.
Protein change: p.Lys957Arg; replaces lysine 957 with arginine.
Molecular consequence: missense variant.
Genome position (GRCh38, 1-based): chrX:123,626,550, T>C on the plus strand (A>G on the coding strand, the complement: THOC2 is on the minus strand). VCF-style: chrX-123626550-T-C. GRCh37 (hg19) VCF-style: chrX-122760401-T-C.
Other names: c.2870A>G (NM_001081550.1); short protein forms K957R.
Identifiers: ClinVar variation 2176438 (VCV002176438.6), dbSNP rs1403304532, ClinGen allele CA414266228.